The following is an entry in ClinVar:

NM_000051.4(ATM):c.1241A>G (p.Gln414Arg)

Gene: ATM (ATM serine/threonine kinase; plus strand). Cytogenetic location: 11q22.3.
Variant type: single nucleotide variant.
Coding change: c.1241A>G on transcript NM_000051.4 (MANE Select); coding-DNA position 1241, A replaced by G.
Protein change: p.Gln414Arg; replaces glutamine 414 with arginine.
Molecular consequence: missense variant.
Genome position (GRCh38, 1-based): chr11:108,250,706, A>G. VCF-style: chr11-108250706-A-G. GRCh37 (hg19) VCF-style: chr11-108121433-A-G.
Other names: c.1241A>G, p.Gln414Arg (NM_001351834.2); short protein forms Q414R.
Identifiers: ClinVar variation 3448228 (VCV003448228.1).
Genomic context (GRCh38, chr11:108,250,706, plus strand): 5'-TAGTTTGTTAATGTGATGGAATAGTTTTCAAATTATCCTTTTTTTTTTTTTTTAGGCTAC[A>G]GATTGCAACCCAATTAATATCAAAGTATCCTGCAAGTTTACCTAACTGTGAGCTGTCTCC-3'
Protein context (NP_000042.3, residues 404-424): QNDFDLVPWL[Gln414Arg]IATQLISKYP

ClinVar aggregate classification (germline): Uncertain significance (1 of 4 stars; one submission).

Conditions:
Hereditary cancer-predisposing syndrome. Also called: Tumor predisposition; Neoplastic Syndromes, Hereditary; Hereditary neoplastic syndrome; Hereditary Cancer Syndrome. Identifiers: Orphanet 140162, MedGen C0027672, MeSH D009386, MONDO:0015356.

Submission:

Ambry Genetics
Classification: Uncertain significance for Hereditary cancer-predisposing syndrome. Last evaluated: 2024-12-06. Review status: criteria provided, single submitter. Criteria: Ambry Variant Classification Scheme 2023. Collection method: clinical testing. Allele origin: germline.
Comment: The p.Q414R variant (also known as c.1241A>G), located in coding exon 9 of the ATM gene, results from an A to G substitution at nucleotide position 1241. The glutamine at codon 414 is replaced by arginine, an amino acid with highly similar properties. This amino acid position is conserved. In addition, the in silico prediction for this alteration is inconclusive. Based on the available evidence, the clinical significance of this variant remains unclear.